The following is an entry in ClinVar:

ClinVar aggregate classification (germline): Uncertain significance (1 of 4 stars; one submission).

Conditions:
ALG8 congenital disorder of glycosylation. Also called: ALG8-CDG; CONGENITAL DISORDER OF GLYCOSYLATION, TYPE Ih; CDG Ih. Identifiers: Orphanet 79325, MedGen C2931002, MONDO:0011969, OMIM 608104.

Allele frequency attached by ClinVar (database versions not stated): TOPMed below 0.00001; ExAC 0.00001.
gnomAD v4.1: 3 of 1,614,148 alleles (0.00019%); highest among the groups gnomAD compares: Non-Finnish European, 0.00025%; no homozygotes.

Submission:

Labcorp Genetics (formerly Invitae), Labcorp
Classification: Uncertain significance for ALG8 congenital disorder of glycosylation. Last evaluated: 2021-09-15. Review status: criteria provided, single submitter. Criteria: Invitae Variant Classification Sherloc (09022015). Collection method: clinical testing. Allele origin: germline.
Comment: In summary, the available evidence is currently insufficient to determine the role of this variant in disease. Therefore, it has been classified as a Variant of Uncertain Significance. Algorithms developed to predict the effect of missense changes on protein structure and function are either unavailable or do not agree on the potential impact of this missense change (SIFT: "Deleterious"; PolyPhen-2: "Probably Damaging"; Align-GVGD: "Class C0"). This variant has not been reported in the literature in individuals affected with ALG8-related conditions. This variant is present in population databases (rs758549233, ExAC 0.001%). This sequence change replaces proline with arginine at codon 488 of the ALG8 protein (p.Pro488Arg). The proline residue is highly conserved and there is a moderate physicochemical difference between proline and arginine.

NM_024079.5(ALG8):c.1463C>G (p.Pro488Arg)

Gene: ALG8 (ALG8 alpha-1,3-glucosyltransferase; minus strand). Cytogenetic location: 11q14.1.
Variant type: single nucleotide variant.
Coding change: c.1463C>G on transcript NM_024079.5 (MANE Select); coding-DNA position 1463, C replaced by G.
Protein change: p.Pro488Arg; replaces proline 488 with arginine.
Molecular consequence: missense variant. On other transcripts: 3 prime UTR variant (1).
Genome position (GRCh38, 1-based): chr11:78,101,082, G>C on the plus strand (C>G on the coding strand, the complement: ALG8 is on the minus strand). VCF-style: chr11-78101082-G-C. GRCh37 (hg19) VCF-style: chr11-77812128-G-C.
Other names: c.*134C>G (NM_001007027.3); short protein forms P488R.
Identifiers: ClinVar variation 1381259 (VCV001381259.6), dbSNP rs758549233, ClinGen allele CA6203118.
Genomic context (GRCh38, chr11:78,101,082, plus strand): 5'-AACCAAGCATATGTGATGCCTACTGCACAATACACTGAGGTTAGTAACAAAGGGATGAAG[G>C]GGTACTTCACCTTCCAGGAGGTGAAAGGGAATACAAATTCACAGCAGACTTCCAGAGGCC-3'
Protein context (NP_076984.2, residues 478-498): FPFTSWKVKY[Pro488Arg]FIPLLLTSVY